The following is an entry in ClinVar:

ClinVar aggregate classification (germline): Uncertain significance (1 of 4 stars; one submission).

Submission:

Labcorp Genetics (formerly Invitae), Labcorp
Classification: Uncertain significance. Last evaluated: 2022-07-11. Review status: criteria provided, single submitter. Criteria: Invitae Variant Classification Sherloc (09022015). Collection method: clinical testing. Allele origin: germline.
Comment: This sequence change falls in intron 21 of the UNC80 gene. It does not directly change the encoded amino acid sequence of the UNC80 protein. Information on the frequency of this variant in the gnomAD database is not available, as this variant may be reported differently in the database. This variant has not been reported in the literature in individuals affected with UNC80-related conditions. Experimental studies and prediction algorithms are not available or were not evaluated, and the effect of this variant on mRNA splicing is currently unknown. In summary, the available evidence is currently insufficient to determine the role of this variant in disease. Therefore, it has been classified as a Variant of Uncertain Significance.

NM_001371986.1(UNC80):c.3455-14_3455-13inv

Gene: UNC80 (unc-80 homolog, NALCN channel complex subunit; plus strand). Cytogenetic location: 2q34.
Variant type: Inversion.
Coding change: c.3455-14_3455-13inv on transcript NM_001371986.1 (MANE Select).
Molecular consequence: intron variant.
Genome position: GRCh38 VCF-style: chr2-209849437-CA-TG. GRCh37 (hg19) VCF-style: chr2-210714161-CA-TG.
Other names: c.3461-14_3461-13inv (NM_032504.2); c.3446-14_3446-13inv (NM_182587.4).
Identifiers: ClinVar variation 1927757 (VCV001927757.4), ClinGen allele CA2580065491.